The following is an entry in ClinVar:

ClinVar aggregate classification (germline): Uncertain significance (1 of 4 stars; one submission).

Allele frequency attached by ClinVar (database versions not stated): gnomAD 0.00001; gnomAD exomes 0.00001; TOPMed 0.00001; ESP Exome Variant Server 0.00008; ExAC 0.00009.
gnomAD v4.1: 19 of 1,605,962 alleles (0.0012%); highest among the groups gnomAD compares: Middle Eastern, 0.016%; no homozygotes.

Submission:

Labcorp Genetics (formerly Invitae), Labcorp
Classification: Uncertain significance. Last evaluated: 2025-11-24. Review status: criteria provided, single submitter. Criteria: Invitae Variant Classification Sherloc (09022015). Collection method: clinical testing. Allele origin: germline.
Comment: This sequence change replaces alanine, which is neutral and non-polar, with threonine, which is neutral and polar, at codon 165 of the SEPT9 protein (p.Ala165Thr). The frequency data for this variant in the population databases is considered unreliable, as metrics indicate poor data quality at this position in the gnomAD database. This variant has not been reported in the literature in individuals affected with SEPT9-related conditions. ClinVar contains an entry for this variant (Variation ID: 2445515). Invitae Evidence Modeling of protein sequence and biophysical properties (such as structural, functional, and spatial information, amino acid conservation, physicochemical variation, residue mobility, and thermodynamic stability) indicates that this missense variant is not expected to disrupt SEPT9 protein function with a negative predictive value of 80%. In summary, the available evidence is currently insufficient to determine the role of this variant in disease. Therefore, it has been classified as a Variant of Uncertain Significance.

NM_001113491.2(SEPTIN9):c.547G>A (p.Ala183Thr)

Gene: SEPTIN9 (septin 9; plus strand). Cytogenetic location: 17q25.3.
Variant type: single nucleotide variant.
Coding change: c.547G>A on transcript NM_001113491.2 (MANE Select); coding-DNA position 547, G replaced by A.
Protein change: p.Ala183Thr; replaces alanine 183 with threonine.
Molecular consequence: missense variant.
Genome position (GRCh38, 1-based): chr17:77,402,529, G>A. VCF-style: chr17-77402529-G-A. GRCh37 (hg19) VCF-style: chr17-75398611-G-A.
Other names: c.55G>A, p.Ala19Thr (NM_001113492.2, NM_001113494.1); c.526G>A, p.Ala176Thr (NM_001113493.2); c.490G>A, p.Ala164Thr (NM_001293695.2); c.493G>A, p.Ala165Thr (NM_006640.5); short protein forms A164T, A165T, A176T, A183T, A19T.
Identifiers: ClinVar variation 2445515 (VCV002445515.4), dbSNP rs372396458, ClinGen allele CA8793239.